The following is an entry in ClinVar:

NM_005751.5(AKAP9):c.9681G>C (p.Glu3227Asp)

Gene: AKAP9 (A-kinase anchoring protein 9; plus strand). Cytogenetic location: 7q21.2.
Variant type: single nucleotide variant.
Coding change: c.9681G>C on transcript NM_005751.5 (MANE Select); coding-DNA position 9681, G replaced by C.
Protein change: p.Glu3227Asp; replaces glutamic acid 3227 with aspartic acid.
Molecular consequence: missense variant.
Genome position (GRCh38, 1-based): chr7:92,095,125, G>C. VCF-style: chr7-92095125-G-C. GRCh37 (hg19) VCF-style: chr7-91724439-G-C.
Other names: c.4326G>C, p.Glu1442Asp (NM_001379277.1); c.9657G>C, p.Glu3219Asp (NM_147185.3); short protein forms E3227D, E1442D, E3219D.
Identifiers: ClinVar variation 4613404 (VCV004613404.1).

ClinVar aggregate classification (germline): Uncertain significance (1 of 4 stars; one submission).

Conditions:
Cardiovascular phenotype. Identifiers: MedGen CN230736.

Submission:

Ambry Genetics
Classification: Uncertain significance for Cardiovascular phenotype. Last evaluated: 2025-11-02. Review status: criteria provided, single submitter. Criteria: Ambry Variant Classification Scheme 2023. Collection method: clinical testing. Allele origin: germline.
Comment: The p.E3227D variant (also known as c.9681G>C), located in coding exon 40 of the AKAP9 gene, results from a G to C substitution at nucleotide position 9681. The glutamic acid at codon 3227 is replaced by aspartic acid, an amino acid with highly similar properties. This amino acid position is conserved. In addition, this alteration is predicted to be tolerated by in silico analysis. Based on the available evidence, the clinical significance of this variant remains unclear.